The following is an entry in ClinVar:

NM_018489.3(ASH1L):c.7782G>C (p.Met2594Ile)

Gene: ASH1L (ASH1 like histone lysine methyltransferase; minus strand). Cytogenetic location: 1q22.
Variant type: single nucleotide variant.
Coding change: c.7782G>C on transcript NM_018489.3 (MANE Select); coding-DNA position 7782, G replaced by C.
Protein change: p.Met2594Ile; replaces methionine 2594 with isoleucine.
Molecular consequence: missense variant.
Genome position (GRCh38, 1-based): chr1:155,347,677, C>G on the plus strand (G>C on the coding strand, the complement: ASH1L is on the minus strand). VCF-style: chr1-155347677-C-G. GRCh37 (hg19) VCF-style: chr1-155317468-C-G.
Other names: c.7797G>C, p.Met2599Ile (NM_001366177.2); short protein forms M2594I, M2599I.
Identifiers: ClinVar variation 4976492 (VCV004976492.1).

ClinVar aggregate classification (germline): Uncertain significance (1 of 4 stars; one submission).

Submission:

GeneDx
Classification: Uncertain significance. Last evaluated: 2026-02-13. Review status: criteria provided, single submitter. Criteria: GeneDx Variant Classification Process June 2021. Collection method: clinical testing. Allele origin: germline.
Comment: Not observed at significant frequency in large population cohorts (gnomAD); In silico analysis supports that this missense variant has a deleterious effect on protein structure/function; Has not been previously published as pathogenic or benign to our knowledge